The following is an entry in ClinVar:

NM_000264.5(PTCH1):c.83C>G (p.Ala28Gly)

Genes: PTCH1 (patched 1; minus strand), LOC130002133 (ATAC-STARR-seq lymphoblastoid silent region 20071; plus strand). Cytogenetic location: 9q22.32.
Variant type: single nucleotide variant.
Coding change: c.83C>G on transcript NM_000264.5 (MANE Select); coding-DNA position 83, C replaced by G.
Protein change: p.Ala28Gly; replaces alanine 28 with glycine.
Molecular consequence: missense variant. On other transcripts: non-coding transcript variant (1), intron variant (3).
Genome position (GRCh38, 1-based): chr9:95,508,279, G>C on the plus strand (C>G on the coding strand, the complement: PTCH1 is on the minus strand). VCF-style: chr9-95508279-G-C. GRCh37 (hg19) VCF-style: chr9-98270561-G-C.
Other names: c.83C>G, p.Ala28Gly (NM_001354918.2); c.199-1680C>G (NM_001083603.3); c.4-1680C>G (NM_001083602.3, NM_001354919.2); short protein forms A28G.
Identifiers: ClinVar variation 4532902 (VCV004532902.1).

ClinVar aggregate classification (germline): Uncertain significance (1 of 4 stars; one submission).

Submission:

Quest Diagnostics Nichols Institute San Juan Capistrano
Classification: Uncertain significance. Last evaluated: 2025-02-05. Review status: criteria provided, single submitter. Criteria: Quest Diagnostics criteria. Collection method: clinical testing. Allele origin: unknown.
Comment: The PTCH1 c.83C>G (p.Ala28Gly) variant has not been reported in individuals with PTCH1-related conditions in the published literature. It also has not been reported in large, multi-ethnic general populations (Genome Aggregation Database). Analysis of this variant using bioinformatics tools for the prediction of the effect of amino acid changes on protein structure and function yielded predictions that this variant is benign. Based on the available information, we are unable to determine the clinical significance of this variant.